The following is an entry in ClinVar:

ClinVar aggregate classification (germline): Uncertain significance (1 of 4 stars; one submission).

Conditions:
Baraitser-Winter syndrome 1 (BRWS1). Also called: PACHYGYRIA, MENTAL RETARDATION, EPILEPSY, AND CHARACTERISTIC FACIES; MENTAL RETARDATION WITH EPILEPSY AND CHARACTERISTIC FACIES; Cerebrofrontofacial syndrome; BARAITSER-WINTER SYNDROME 1, ATYPICAL. Identifiers: Orphanet 2649, Orphanet 2995, MedGen C1855722, MONDO:0009470, OMIM 243310.

Submission:

Labcorp Genetics (formerly Invitae), Labcorp
Classification: Uncertain significance for Baraitser-Winter syndrome 1. Last evaluated: 2025-03-22. Review status: criteria provided, single submitter. Criteria: Invitae Variant Classification Sherloc (09022015). Collection method: clinical testing. Allele origin: germline.
Comment: This sequence change results in a frameshift in the ACTB gene (p.Gly366Profs*17). While this is not anticipated to result in nonsense mediated decay, it is expected to disrupt the last 10 amino acid(s) of the ACTB protein and extend the protein by 6 additional amino acid residues. This variant is not present in population databases (gnomAD no frequency). This variant has not been reported in the literature in individuals affected with ACTB-related conditions. Experimental studies and prediction algorithms are not available or were not evaluated, and the functional significance of this variant is currently unknown. In summary, the available evidence is currently insufficient to determine the role of this variant in disease. Therefore, it has been classified as a Variant of Uncertain Significance.

NM_001101.5(ACTB):c.1093_1094dup (p.Gly366fs)

Gene: ACTB (actin beta; minus strand). Cytogenetic location: 7p22.1.
Variant type: Duplication.
Coding change: c.1093_1094dup on transcript NM_001101.5 (MANE Select); coding-DNA positions 1093 to 1094, 2 bases duplicated (TC; older notation c.1093_1094dupTC).
Protein change: p.Gly366fs; shifts the reading frame from glycine 366.
Molecular consequence: frameshift variant.
Genome position (GRCh38, 1-based): chr7:5,527,782-5,527,783, GA duplicated on the plus strand (TC on the coding strand, the reverse complement: ACTB is on the minus strand). VCF-style (leftmost placement, unchanged base first): chr7-5527781-G-GGA. GRCh37 (hg19) VCF-style: chr7-5567412-G-GGA.
Other names: short protein forms G366fs.
Identifiers: ClinVar variation 4805507 (VCV004805507.1).